The following is an entry in ClinVar:

NM_000222.3(KIT):c.22T>C (p.Trp8Arg)

Gene: KIT (KIT proto-oncogene, receptor tyrosine kinase; plus strand). Cytogenetic location: 4q12.
Variant type: single nucleotide variant.
Coding change: c.22T>C on transcript NM_000222.3 (MANE Select); coding-DNA position 22, T replaced by C.
Protein change: p.Trp8Arg; replaces tryptophan 8 with arginine.
Molecular consequence: missense variant.
Genome position (GRCh38, 1-based): chr4:54,658,036, T>C. VCF-style: chr4-54658036-T-C. GRCh37 (hg19) VCF-style: chr4-55524203-T-C.
Other names: c.22T>C, p.Trp8Arg (NM_001093772.2, NM_001385284.1, NM_001385285.1 and 4 more transcripts); short protein forms W8R.
Identifiers: ClinVar variation 656007 (VCV000656007.11), dbSNP rs1577898533, ClinGen allele CA356897887.

ClinVar aggregate classification (germline): Uncertain significance. Review status: criteria provided, multiple submitters, no conflicts (2 of 4 stars). 3 submissions from 3 submitters: Uncertain significance (3). Last evaluated 2025-05-03.

Conditions:
Hereditary cancer-predisposing syndrome. Also called: Neoplastic Syndromes, Hereditary; Tumor predisposition; Hereditary Cancer Syndrome; Hereditary neoplastic syndrome. Identifiers: Orphanet 140162, MedGen C0027672, MeSH D009386, MONDO:0015356.
Gastrointestinal stromal tumor. Also called: Gastrointestinal stromal tumor, somatic; Gastrointestinal stroma tumor. Identifiers: Orphanet 44890, MedGen C0238198, MeSH D046152, MONDO:0011719, OMIM 606764, HP:0100723.

Submissions (3):

Ambry Genetics
Classification: Uncertain significance for Hereditary cancer-predisposing syndrome. Last evaluated: 2025-05-03. Review status: criteria provided, single submitter. Criteria: Ambry Variant Classification Scheme 2023. Collection method: clinical testing. Allele origin: germline.
Comment: The p.W8R variant (also known as c.22T>C), located in coding exon 1 of the KIT gene, results from a T to C substitution at nucleotide position 22. The tryptophan at codon 8 is replaced by arginine, an amino acid with dissimilar properties. This amino acid position is well conserved in available vertebrate species; however, arginine is the reference amino acid in other vertebrate species. In addition, this alteration is predicted to be tolerated by in silico analysis. Based on the available evidence, the clinical significance of this variant remains unclear.

Labcorp Genetics (formerly Invitae), Labcorp
Classification: Uncertain significance for Gastrointestinal stromal tumor. Last evaluated: 2024-08-28. Review status: criteria provided, single submitter. Criteria: Invitae Variant Classification Sherloc (09022015). Collection method: clinical testing. Allele origin: germline.
Comment: This sequence change replaces tryptophan, which is neutral and slightly polar, with arginine, which is basic and polar, at codon 8 of the KIT protein (p.Trp8Arg). This variant is not present in population databases (gnomAD no frequency). This variant has not been reported in the literature in individuals affected with KIT-related conditions. ClinVar contains an entry for this variant (Variation ID: 656007). An algorithm developed to predict the effect of missense changes on protein structure and function outputs the following: PolyPhen-2: "Probably Damaging". The arginine amino acid residue is found in multiple mammalian species, which suggests that this missense change does not adversely affect protein function. In summary, the available evidence is currently insufficient to determine the role of this variant in disease. Therefore, it has been classified as a Variant of Uncertain Significance.

Baylor Genetics
Classification: Uncertain significance for Gastrointestinal stromal tumor. Last evaluated: 2023-06-15. Review status: criteria provided, single submitter. Criteria: ACMG Guidelines, 2015. Collection method: clinical testing. Allele origin: unknown.